The following is an entry in ClinVar:

ClinVar aggregate classification (germline): Likely benign (1 of 4 stars; one submission).

Submission:

CeGaT Center for Human Genetics Tuebingen
Classification: Likely benign. Last evaluated: 2025-06-01. Review status: criteria provided, single submitter. Criteria: CeGaT Center For Human Genetics Tuebingen Variant Classification Criteria Version 2. Collection method: clinical testing. Allele origin: germline. Affected: yes. Observed: 1 variant allele.
Comment: AHNAK2: BP4, BS2

NM_138420.4(AHNAK2):c.5534C>T (p.Ser1845Leu)

Gene: AHNAK2 (AHNAK nucleoprotein 2; minus strand). Cytogenetic location: 14q32.33.
Variant type: single nucleotide variant.
Coding change: c.5534C>T on transcript NM_138420.4 (MANE Select); coding-DNA position 5534, C replaced by T.
Protein change: p.Ser1845Leu; replaces serine 1845 with leucine.
Molecular consequence: missense variant.
Genome position (GRCh38, 1-based): chr14:104,949,917, G>A on the plus strand (C>T on the coding strand, the complement: AHNAK2 is on the minus strand). VCF-style: chr14-104949917-G-A. GRCh37 (hg19) VCF-style: chr14-105416254-G-A.
Other names: c.5234C>T, p.Ser1745Leu (NM_001350929.2); short protein forms S1745L, S1845L.
Identifiers: ClinVar variation 3904939 (VCV003904939.10).